The following is an entry in ClinVar:

ClinVar aggregate classification (germline): Conflicting classifications of pathogenicity. Review status: criteria provided, conflicting classifications (1 of 4 stars). 2 submissions from 2 submitters: Uncertain significance (1); Likely benign (1). Last evaluated 2025-02-27.

Conditions:
Inborn genetic diseases. Identifiers: MedGen C0950123, MeSH D030342.
Baller-Gerold syndrome (BGS). Also called: CRANIOSYNOSTOSIS WITH RADIAL DEFECTS. Identifiers: Orphanet 1225, MedGen C0265308, MONDO:0009039, OMIM 218600.

Allele frequency attached by ClinVar (database versions not stated): gnomAD exomes below 0.00001.

Submissions (2):

Ambry Genetics
Classification: Likely benign for Inborn genetic diseases. Last evaluated: 2025-02-27. Review status: criteria provided, single submitter. Criteria: Ambry Variant Classification Scheme 2023. Collection method: clinical testing. Allele origin: germline.

Labcorp Genetics (formerly Invitae), Labcorp
Classification: Uncertain significance for Baller-Gerold syndrome. Last evaluated: 2022-07-23. Review status: criteria provided, single submitter. Criteria: Invitae Variant Classification Sherloc (09022015). Collection method: clinical testing. Allele origin: germline.
Comment: This variant is not present in population databases (gnomAD no frequency). This sequence change replaces proline, which is neutral and non-polar, with leucine, which is neutral and non-polar, at codon 159 of the RECQL4 protein (p.Pro159Leu). This variant has not been reported in the literature in individuals affected with RECQL4-related conditions. ClinVar contains an entry for this variant (Variation ID: 966814). In summary, the available evidence is currently insufficient to determine the role of this variant in disease. Therefore, it has been classified as a Variant of Uncertain Significance.

NM_004260.4(RECQL4):c.476C>T (p.Pro159Leu)

Gene: RECQL4 (RecQ like helicase 4; minus strand). Cytogenetic location: 8q24.3.
Variant type: single nucleotide variant.
Coding change: c.476C>T on transcript NM_004260.4 (MANE Select); coding-DNA position 476, C replaced by T.
Protein change: p.Pro159Leu; replaces proline 159 with leucine.
Molecular consequence: missense variant.
Genome position (GRCh38, 1-based): chr8:144,516,643, G>A on the plus strand (C>T on the coding strand, the complement: RECQL4 is on the minus strand). VCF-style: chr8-144516643-G-A. GRCh37 (hg19) VCF-style: chr8-145742027-G-A.
Other names: short protein forms P159L.
Identifiers: ClinVar variation 966814 (VCV000966814.8), dbSNP rs1815070006, ClinGen allele CA372691321.
Genomic context (GRCh38, chr8:144,516,643, plus strand): 5'-AGGGATGCCTGCAGATGCTGGAGCCGGCCTGGCCTTGGCTGGGGCTCAGGGAGCTGTGGA[G>A]GCTCATCACTGACTTTTTCTGCAAAGGAGGGGACAGGCCCTGTACCTGGGGGCTTTGGGG-3'
Protein context (NP_004251.4, residues 149-169): PSFAEKVSDE[Pro159Leu]PQLPEPQPRP